The following is an entry in ClinVar:

NM_201384.3(PLEC):c.7028C>T (p.Ala2343Val)

Gene: PLEC (plectin; minus strand). Cytogenetic location: 8q24.3.
Variant type: single nucleotide variant.
Coding change: c.7028C>T on transcript NM_201384.3 (MANE Select); coding-DNA position 7028, C replaced by T.
Protein change: p.Ala2343Val; replaces alanine 2343 with valine.
Molecular consequence: missense variant.
Genome position (GRCh38, 1-based): chr8:143,922,901, G>A on the plus strand (C>T on the coding strand, the complement: PLEC is on the minus strand). VCF-style: chr8-143922901-G-A. GRCh37 (hg19) VCF-style: chr8-144997069-G-A.
Other names: c.7109C>T, p.Ala2370Val (NM_000445.5); c.6986C>T, p.Ala2329Val (NM_201378.4); c.6962C>T, p.Ala2321Val (NM_201379.3); c.7439C>T, p.Ala2480Val (NM_201380.4); c.6932C>T, p.Ala2311Val (NM_201381.3); c.7028C>T, p.Ala2343Val (NM_201382.4); c.7040C>T, p.Ala2347Val (NM_201383.3); short protein forms A2370V, A2321V, A2343V, A2480V, A2347V, A2311V, A2329V.
Identifiers: ClinVar variation 1047471 (VCV001047471.8), dbSNP rs373446919, ClinGen allele CA4925780.

ClinVar aggregate classification (germline): Uncertain significance. Review status: criteria provided, multiple submitters, no conflicts (2 of 4 stars). 3 submissions from 3 submitters: Uncertain significance (3). Last evaluated 2024-05-14.

Conditions:
Epidermolysis bullosa simplex 5C, with pyloric atresia (EBS5C). Also called: PLEC-Related Epidermolysis Bullosa with Pyloric Atresia; Epidermolysis bullosa simplex with pyloric atresia; PLEC1-Related Epidermolysis Bullosa with Pyloric Atresia. Identifiers: Orphanet 158684, MedGen C2677349, MONDO:0012807, OMIM 612138.
Autosomal recessive limb-girdle muscular dystrophy type 2Q (LGMDR17). Also called: MUSCULAR DYSTROPHY, LIMB-GIRDLE, AUTOSOMAL RECESSIVE 17. Identifiers: Orphanet 254361, MedGen C3150989, MONDO:0013390, OMIM 613723.
Epidermolysis bullosa simplex with nail dystrophy (EBS5D). Identifiers: MedGen C4225309, MONDO:0014661, OMIM 616487.
Epidermolysis bullosa simplex, Ogna type (EBS5A). Also called: Pidermolysis bullosa simplex 5A, Ogna type; EPIDERMOLYSIS BULLOSA SIMPLEX 5A, OGNA TYPE. Identifiers: Orphanet 79401, MedGen C0432317, MONDO:0007555, OMIM 131950.
Epidermolysis bullosa simplex 5B, with muscular dystrophy (EBS5B). Also called: EPIDERMOLYSIS BULLOSA SIMPLEX AND LIMB-GIRDLE MUSCULAR DYSTROPHY; Epidermolysis bullosa simplex with muscular dystrophy. Identifiers: Orphanet 257, MedGen C2931072, MONDO:0009181, OMIM 226670.

Allele frequency attached by ClinVar (database versions not stated): gnomAD exomes below 0.00001; ExAC 0.00002; gnomAD 0.00002 and 0.00003; TOPMed 0.00003; ESP Exome Variant Server 0.00008.
gnomAD v4.1: 11 of 1,590,296 alleles (0.00069%); highest among the groups gnomAD compares: East Asian, 0.0046%; no homozygotes.

Submissions (3):

Labcorp Genetics (formerly Invitae), Labcorp
Classification: Uncertain significance for Autosomal recessive limb-girdle muscular dystrophy type 2Q; Epidermolysis bullosa simplex, Ogna type; Epidermolysis bullosa simplex with nail dystrophy; Epidermolysis bullosa simplex 5C, with pyloric atresia; Epidermolysis bullosa simplex 5B, with muscular dystrophy. Last evaluated: 2024-05-14. Review status: criteria provided, single submitter. Criteria: Invitae Variant Classification Sherloc (09022015). Collection method: clinical testing. Allele origin: germline.
Comment: This sequence change replaces alanine, which is neutral and non-polar, with valine, which is neutral and non-polar, at codon 2370 of the PLEC protein (p.Ala2370Val). The frequency data for this variant in the population databases is considered unreliable, as metrics indicate poor data quality at this position in the gnomAD database. This variant has not been reported in the literature in individuals affected with PLEC-related conditions. ClinVar contains an entry for this variant (Variation ID: 1047471). An algorithm developed to predict the effect of missense changes on protein structure and function (PolyPhen-2) suggests that this variant is likely to be disruptive. In summary, the available evidence is currently insufficient to determine the role of this variant in disease. Therefore, it has been classified as a Variant of Uncertain Significance.

Revvity Omics, Revvity
Classification: Uncertain significance. Last evaluated: 2023-08-11. Review status: criteria provided, single submitter. Criteria: ACMG Guidelines, 2015. Collection method: clinical testing. Allele origin: germline.

Blueprint Genetics
Classification: Uncertain significance. Last evaluated: 2022-12-01. Review status: criteria provided, single submitter. Criteria: ACMG Guidelines, 2015. Collection method: clinical testing. Allele origin: germline.